The following is an entry in ClinVar:

ClinVar aggregate classification (germline): Pathogenic (1 of 4 stars; one submission).

Submission:

ISCA site 4
Classification: Pathogenic. Last evaluated: 2011-08-12. Review status: criteria provided, single submitter. Criteria: Kaminsky et al. (Genet Med. 2011). Collection method: clinical testing. Allele origin: unknown. Affected: yes. Observed: 1 variant allele.
Comment: Copy number variation identified through the course of routine clinical cytogenomic testing in postnatal populations. Clinical assertions have been curated as described in Kaminsky et al. 2011.

GRCh38/hg38 20p13(chr20:89939-1852477)x1

Genes: ANGPT4 (angiopoietin 4; minus strand), C20orf202 (chromosome 20 open reading frame 202; plus strand), C20orf96 (chromosome 20 open reading frame 96; minus strand), CSNK2A1 (casein kinase 2 alpha 1; minus strand), DEFB125 (defensin beta 125; plus strand) and 101 more. Cytogenetic location: 20p13.
Variant type: copy number loss.
Change: copy number 1 (one copy instead of two) of chr20:89,939-1,852,477 (1.76 Mb, GRCh38 coordinates, 1-based), cytogenetic band 20p13.
Identifiers: ClinVar variation 161074 (VCV000161074.1).